The following is an entry in ClinVar:

NM_012398.3(PIP5K1C):c.394C>T (p.Arg132Cys)

Gene: PIP5K1C (phosphatidylinositol-4-phosphate 5-kinase type 1 gamma; minus strand). Cytogenetic location: 19p13.3.
Variant type: single nucleotide variant.
Coding change: c.394C>T on transcript NM_012398.3 (MANE Select); coding-DNA position 394, C replaced by T.
Protein change: p.Arg132Cys; replaces arginine 132 with cysteine.
Molecular consequence: missense variant.
Genome position (GRCh38, 1-based): chr19:3,661,040, G>A on the plus strand (C>T on the coding strand, the complement: PIP5K1C is on the minus strand). VCF-style: chr19-3661040-G-A. GRCh37 (hg19) VCF-style: chr19-3661038-G-A.
Other names: c.394C>T, p.Arg132Cys (NM_001195733.2, NM_001300849.2); short protein forms R132C.
Identifiers: ClinVar variation 4861915 (VCV004861915.1).
Genomic context (GRCh38, chr19:3,661,040, plus strand): 5'-GCCGGATCCCAAAGAGCTCCCGGAAGTAGCGGAAGGCGACAGGTGCATAGGTCTTGAAGC[G>A]GAAGTCCTGGAAGTGGTGGGCGGGGGTGAGGTTGCTGCCTTCGCTGTGGAGGAAGGACGG-3'
Protein context (NP_036530.1, residues 122-142): LTPAHHFQDF[Arg132Cys]FKTYAPVAFR

ClinVar aggregate classification (germline): Uncertain significance (1 of 4 stars; one submission).

Conditions:
Inborn genetic diseases. Identifiers: MedGen C0950123, MeSH D030342.

gnomAD v4.1: 10 of 1,613,946 alleles (0.00062%); highest among the groups gnomAD compares: Non-Finnish European, 0.00085%; no homozygotes.

Submission:

Ambry Genetics
Classification: Uncertain significance for Inborn genetic diseases. Last evaluated: 2026-04-28. Review status: criteria provided, single submitter. Criteria: Ambry Variant Classification Scheme 2023. Collection method: clinical testing. Allele origin: germline.
Comment: The c.394C>T (p.R132C) alteration is located in exon 5 (coding exon 5) of the PIP5K1C gene. This alteration results from a C to T substitution at nucleotide position 394, causing the arginine (R) at amino acid position 132 to be replaced by a cysteine (C). Based on data from gnomAD, the T allele has an overall frequency of <0.001% (1/251386) total alleles studied. The highest observed frequency was 0.001% (1/113682) of European (non-Finnish) alleles. Based on insufficient or conflicting evidence, the clinical significance of this alteration remains unclear.